The following is an entry in ClinVar:

ClinVar aggregate classification (germline): Uncertain significance. Review status: criteria provided, multiple submitters, no conflicts (2 of 4 stars). 2 submissions from 2 submitters: Uncertain significance (2). Last evaluated 2025-06-17.

Conditions:
Primary familial hypertrophic cardiomyopathy (HCM). Identifiers: Orphanet 99739, MedGen C0949658, MeSH D024741, MONDO:0024573. Inheritance: Various modes of inheritance.

Submissions (2):

Ambry Genetics
Classification: Uncertain significance. Last evaluated: 2025-06-17. Review status: criteria provided, single submitter. Criteria: Ambry Variant Classification Scheme 2023. Collection method: clinical testing. Allele origin: germline.

Labcorp Genetics (formerly Invitae), Labcorp
Classification: Uncertain significance for Primary familial hypertrophic cardiomyopathy. Last evaluated: 2024-07-10. Review status: criteria provided, single submitter. Criteria: Invitae Variant Classification Sherloc (09022015). Collection method: clinical testing. Allele origin: germline.
Comment: This sequence change replaces glycine, which is neutral and non-polar, with serine, which is neutral and polar, at codon 210 of the ILK protein (p.Gly210Ser). This variant is not present in population databases (gnomAD no frequency). This variant has not been reported in the literature in individuals affected with ILK-related conditions. An algorithm developed to predict the effect of missense changes on protein structure and function (PolyPhen-2) suggests that this variant is likely to be disruptive. In summary, the available evidence is currently insufficient to determine the role of this variant in disease. Therefore, it has been classified as a Variant of Uncertain Significance.

NM_004517.4(ILK):c.628G>A (p.Gly210Ser)

Genes: TAF10 (TATA-box binding protein associated factor 10; minus strand), ILK (integrin linked kinase; plus strand). Cytogenetic location: 11p15.4.
Variant type: single nucleotide variant.
Coding change: c.628G>A on transcript NM_004517.4 (MANE Select); coding-DNA position 628, G replaced by A.
Protein change: p.Gly210Ser; replaces glycine 210 with serine.
Molecular consequence: missense variant. On other transcripts: 3 prime UTR variant (1).
Genome position (GRCh38, 1-based): chr11:6,609,308, G>A. VCF-style: chr11-6609308-G-A. GRCh37 (hg19) VCF-style: chr11-6630539-G-A.
Other names: c.628G>A, p.Gly210Ser (NM_001014794.3, NM_001014795.3); c.445G>A, p.Gly149Ser (NM_001278441.2); c.226G>A, p.Gly76Ser (NM_001278442.2); c.*1614C>T (NM_006284.4); short protein forms G149S, G210S, G76S.
Identifiers: ClinVar variation 3620079 (VCV003620079.3).